The following is an entry in ClinVar:

ClinVar aggregate classification (germline): Likely benign. Review status: criteria provided, multiple submitters, no conflicts (2 of 4 stars). 2 submissions from 2 submitters: Likely benign (2). Last evaluated 2024-03-04.

Allele frequency attached by ClinVar (database versions not stated): ExAC 0.00002; gnomAD 0.00003; gnomAD exomes 0.00003; TOPMed 0.00003.
gnomAD v4.1: 54 of 1,613,866 alleles (0.0033%); highest among the groups gnomAD compares: Non-Finnish European, 0.0039%; no homozygotes.

Submissions (2):

Blueprint Genetics
Classification: Likely benign. Last evaluated: 2024-03-04. Review status: criteria provided, single submitter. Criteria: ACMG Guidelines, 2015. Collection method: clinical testing. Allele origin: germline.

CeGaT Center for Human Genetics Tuebingen
Classification: Likely benign. Last evaluated: 2023-07-01. Review status: criteria provided, single submitter. Criteria: CeGaT Center For Human Genetics Tuebingen Variant Classification Criteria Version 2. Collection method: clinical testing. Allele origin: germline. Affected: yes. Observed: 2 variant alleles.
Comment: ATAD3A: BP4, BP7

NM_001170535.3(ATAD3A):c.1005A>C (p.Thr335=)

Gene: ATAD3A (ATPase family AAA domain containing 3A; plus strand). Cytogenetic location: 1p36.33.
Variant type: single nucleotide variant.
Coding change: c.1005A>C on transcript NM_001170535.3 (MANE Select); coding-DNA position 1005, A replaced by C.
Protein change: p.Thr335=; no amino-acid change (threonine 335 retained).
Molecular consequence: synonymous variant.
Genome position (GRCh38, 1-based): chr1:1,523,880, A>C. VCF-style: chr1-1523880-A-C. GRCh37 (hg19) VCF-style: chr1-1459260-A-C.
Other names: c.768A>C, p.Thr256= (NM_001170536.3); c.1149A>C, p.Thr383= (NM_018188.5).
Identifiers: ClinVar variation 2638032 (VCV002638032.25), dbSNP rs758062082, ClinGen allele CA526148.
Genomic context (GRCh38, chr1:1,523,880, plus strand): 5'-CCCCCGTCTTCCCCGGCAGCCCAGCCTGGAAGCACGGGTGCGCGACATCGCCATAGCAAC[A>C]AGGAACACCAAGAAGAACCGCAGCCTGTACAGGAACATCCTGATGTACGGGCCACCAGGC-3'
Protein context (NP_001164006.1, residues 325-345): EARVRDIAIA[Thr335=]RNTKKNRSLY